The following is an entry in ClinVar:

ClinVar aggregate classification (germline): Uncertain significance (1 of 4 stars; one submission).

Conditions:
Autosomal dominant hypocalcemia 1 (HYPOC1). Also called: HYPOCALCEMIA, FAMILIAL. Identifiers: MedGen C3715128, MONDO:0011013, OMIM 601198.
Familial hypocalciuric hypercalcemia (FHH). Also called: Familial benign hypercalcemia. Identifiers: Orphanet 405, MedGen C1809471, MONDO:0018458.

Submission:

Labcorp Genetics (formerly Invitae), Labcorp
Classification: Uncertain significance for Familial hypocalciuric hypercalcemia; Autosomal dominant hypocalcemia 1. Last evaluated: 2020-08-20. Review status: criteria provided, single submitter. Criteria: Invitae Variant Classification Sherloc (09022015). Collection method: clinical testing. Allele origin: germline.
Comment: This variant is not present in population databases (ExAC no frequency). Algorithms developed to predict the effect of missense changes on protein structure and function (SIFT, PolyPhen-2, Align-GVGD) all suggest that this variant is likely to be disruptive, but these predictions have not been confirmed by published functional studies and their clinical significance is uncertain. This variant has not been reported in the literature in individuals with CASR-related conditions. This sequence change replaces leucine with proline at codon 443 of the CASR protein (p.Leu443Pro). The leucine residue is highly conserved and there is a moderate physicochemical difference between leucine and proline. In summary, the available evidence is currently insufficient to determine the role of this variant in disease. Therefore, it has been classified as a Variant of Uncertain Significance.

NM_000388.4(CASR):c.1328T>C (p.Leu443Pro)

Gene: CASR (calcium sensing receptor; plus strand). Cytogenetic location: 3q21.1.
Variant type: single nucleotide variant.
Coding change: c.1328T>C on transcript NM_000388.4 (MANE Select); coding-DNA position 1328, T replaced by C.
Protein change: p.Leu443Pro; replaces leucine 443 with proline.
Molecular consequence: missense variant.
Genome position (GRCh38, 1-based): chr3:122,262,363, T>C. VCF-style: chr3-122262363-T-C. GRCh37 (hg19) VCF-style: chr3-121981210-T-C.
Other names: c.1328T>C, p.Leu443Pro (NM_001178065.2); short protein forms L443P.
Identifiers: ClinVar variation 1055847 (VCV001055847.9), dbSNP rs2107633278, ClinGen allele CA354153148.
Genomic context (GRCh38, chr3:122,262,363, plus strand): 5'-CAGTCTACTCCATTGCCCACGCCTTGCAAGATATATATACCTGCTTACCTGGGAGAGGGC[T>C]CTTCACCAATGGCTCCTGTGCAGACATCAAGAAAGTTGAGGCGTGGCAGGTGCGTCCTTC-3'
Protein context (NP_000379.3, residues 433-453): DIYTCLPGRG[Leu443Pro]FTNGSCADIK